The following is an entry in ClinVar:

ClinVar aggregate classification (germline): Uncertain significance (1 of 4 stars; one submission).

Conditions:
Hyperaldosteronism, familial, type IV (HALD4). Also called: FH IV; ALDOSTERONISM, PRIMARY, AND HYPERTENSION. Identifiers: Orphanet 642671, MedGen C4310756, MONDO:0014875, OMIM 617027.
Idiopathic generalized epilepsy. Also called: EIG; Generalised epilepsy. Identifiers: MedGen C0270850, MONDO:0005579, OMIM 600669.

Submission:

Labcorp Genetics (formerly Invitae), Labcorp
Classification: Uncertain significance for Idiopathic generalized epilepsy; Hyperaldosteronism, familial, type IV. Last evaluated: 2022-04-11. Review status: criteria provided, single submitter. Criteria: Invitae Variant Classification Sherloc (09022015). Collection method: clinical testing. Allele origin: germline.
Comment: In summary, the available evidence is currently insufficient to determine the role of this variant in disease. Therefore, it has been classified as a Variant of Uncertain Significance. Algorithms developed to predict the effect of missense changes on protein structure and function are either unavailable or do not agree on the potential impact of this missense change (SIFT: "Tolerated"; PolyPhen-2: "Possibly Damaging"; Align-GVGD: "Class C0"). This variant has not been reported in the literature in individuals affected with CACNA1H-related conditions. This variant is not present in population databases (gnomAD no frequency). This sequence change replaces serine, which is neutral and polar, with asparagine, which is neutral and polar, at codon 1587 of the CACNA1H protein (p.Ser1587Asn).

NM_021098.3(CACNA1H):c.4760G>A (p.Ser1587Asn)

Gene: CACNA1H (calcium voltage-gated channel subunit alpha1 H; plus strand). Cytogenetic location: 16p13.3.
Variant type: single nucleotide variant.
Coding change: c.4760G>A on transcript NM_021098.3 (MANE Select); coding-DNA position 4760, G replaced by A.
Protein change: p.Ser1587Asn; replaces serine 1587 with asparagine.
Molecular consequence: missense variant. On other transcripts: intron variant (1).
Genome position (GRCh38, 1-based): chr16:1,212,511, G>A. VCF-style: chr16-1212511-G-A. GRCh37 (hg19) VCF-style: chr16-1262511-G-A.
Other names: c.4759+373G>A (NM_001005407.2); short protein forms S1587N.
Identifiers: ClinVar variation 2120536 (VCV002120536.4), dbSNP rs2548710298, ClinGen allele CA394181412.